The following is an entry in ClinVar:

NC_000005.9:g.(?_89938433)_(89947567_?)dup

Gene: ADGRV1 (adhesion G protein-coupled receptor V1; plus strand). Cytogenetic location: 5q14.3.
Variant type: Duplication.
Identifiers: ClinVar variation 3246556 (VCV003246556.1).

ClinVar aggregate classification (germline): Uncertain significance (1 of 4 stars; one submission).

Submission:

Labcorp Genetics (formerly Invitae), Labcorp
Classification: Uncertain significance. Last evaluated: 2023-09-29. Review status: criteria provided, single submitter. Criteria: Invitae Variant Classification Sherloc (09022015). Collection method: clinical testing. Allele origin: unknown.
Comment: Experimental studies and prediction algorithms are not available or were not evaluated, and the functional significance of this variant is currently unknown. This variant results in a copy number gain of the genomic region encompassing exon(s) 12-18 of the ADGRV1 gene. While the exact position of this variant cannot be determined from the data, sub-genic copy number gains are generally in tandem (PMID: 25640679). This variant is predicted to be in-frame, and likely preserves the integrity of the reading frame. This variant has not been reported in the literature in individuals affected with ADGRV1-related conditions. In summary, the available evidence is currently insufficient to determine the role of this variant in disease. Therefore, it has been classified as a Variant of Uncertain Significance.

Literature cited by the submitters: PubMed 25640679.